The following is an entry in ClinVar:

ClinVar aggregate classification (germline): Uncertain significance (1 of 4 stars; one submission).

Allele frequency attached by ClinVar (database versions not stated): gnomAD exomes below 0.00001.
gnomAD v4.1: 4 of 1,614,008 alleles (0.00025%); highest among the groups gnomAD compares: Non-Finnish European, 0.00017%; no homozygotes.

Submission:

Labcorp Genetics (formerly Invitae), Labcorp
Classification: Uncertain significance. Last evaluated: 2022-11-22. Review status: criteria provided, single submitter. Criteria: Invitae Variant Classification Sherloc (09022015). Collection method: clinical testing. Allele origin: germline.
Comment: Algorithms developed to predict the effect of missense changes on protein structure and function (SIFT, PolyPhen-2, Align-GVGD) all suggest that this variant is likely to be tolerated. ClinVar contains an entry for this variant (Variation ID: 1387454). This variant has not been reported in the literature in individuals affected with TOPORS-related conditions. This variant is present in population databases (no rsID available, gnomAD 0.01%). This sequence change replaces threonine, which is neutral and polar, with alanine, which is neutral and non-polar, at codon 205 of the TOPORS protein (p.Thr205Ala). In summary, the available evidence is currently insufficient to determine the role of this variant in disease. Therefore, it has been classified as a Variant of Uncertain Significance.

NM_005802.5(TOPORS):c.613A>G (p.Thr205Ala)

Gene: TOPORS (TOP1 binding arginine/serine rich protein, E3 ubiquitin ligase; minus strand). Cytogenetic location: 9p21.1.
Variant type: single nucleotide variant.
Coding change: c.613A>G on transcript NM_005802.5 (MANE Select); coding-DNA position 613, A replaced by G.
Protein change: p.Thr205Ala; replaces threonine 205 with alanine.
Molecular consequence: missense variant.
Genome position (GRCh38, 1-based): chr9:32,543,912, T>C on the plus strand (A>G on the coding strand, the complement: TOPORS is on the minus strand). VCF-style: chr9-32543912-T-C. GRCh37 (hg19) VCF-style: chr9-32543910-T-C.
Other names: c.418A>G, p.Thr140Ala (NM_001195622.2); short protein forms T205A, T140A.
Identifiers: ClinVar variation 1387454 (VCV001387454.6), dbSNP rs1205787392, ClinGen allele CA373172263.